The following is an entry in ClinVar:

ClinVar aggregate classification (germline): Uncertain significance. Review status: criteria provided, multiple submitters, no conflicts (2 of 4 stars). 4 submissions from 4 submitters: Uncertain significance (4). Last evaluated 2025-09-05.

Conditions:
Inborn genetic diseases. Identifiers: MedGen C0950123, MeSH D030342.
GM3 synthase deficiency (SPDRS). Also called: SALT AND PEPPER DEVELOPMENTAL REGRESSION SYNDROME; AMISH INFANTILE EPILEPSY SYNDROME; SALT AND PEPPER MENTAL RETARDATION SYNDROME. Identifiers: Orphanet 171714, Orphanet 370933, MedGen C1836824, MONDO:0018274, OMIM 609056.

Allele frequency attached by ClinVar (database versions not stated): gnomAD 0.00003; TOPMed 0.00005; gnomAD exomes 0.00007; ExAC 0.00009; ESP Exome Variant Server 0.00015.
gnomAD v4.1: 103 of 1,614,108 alleles (0.0064%); highest among the groups gnomAD compares: Non-Finnish European, 0.0084%; no homozygotes.

Submissions (4):

Ambry Genetics
Classification: Uncertain significance for Inborn genetic diseases. Last evaluated: 2025-09-05. Review status: criteria provided, single submitter. Criteria: Ambry Variant Classification Scheme 2023. Collection method: clinical testing. Allele origin: germline.

Blueprint Genetics
Classification: Uncertain significance. Last evaluated: 2024-03-15. Review status: criteria provided, single submitter. Criteria: ACMG Guidelines, 2015. Collection method: clinical testing. Allele origin: germline.

Labcorp Genetics (formerly Invitae), Labcorp
Classification: Uncertain significance for GM3 synthase deficiency. Last evaluated: 2022-03-23. Review status: criteria provided, single submitter. Criteria: Invitae Variant Classification Sherloc (09022015). Collection method: clinical testing. Allele origin: germline.
Comment: This sequence change replaces serine, which is neutral and polar, with alanine, which is neutral and non-polar, at codon 325 of the ST3GAL5 protein (p.Ser325Ala). This variant is present in population databases (rs146542693, gnomAD 0.02%). This variant has not been reported in the literature in individuals affected with ST3GAL5-related conditions. ClinVar contains an entry for this variant (Variation ID: 897206). Algorithms developed to predict the effect of missense changes on protein structure and function (SIFT, PolyPhen-2, Align-GVGD) all suggest that this variant is likely to be tolerated. In summary, the available evidence is currently insufficient to determine the role of this variant in disease. Therefore, it has been classified as a Variant of Uncertain Significance.

Illumina Laboratory Services, Illumina
Classification: Uncertain significance for GM3 synthase deficiency. Last evaluated: 2018-01-12. Review status: criteria provided, single submitter. Criteria: ICSL Variant Classification Criteria 13 December 2019. Collection method: clinical testing. Allele origin: germline.

NM_003896.4(ST3GAL5):c.973T>G (p.Ser325Ala)

Gene: ST3GAL5 (ST3 beta-galactoside alpha-2,3-sialyltransferase 5; minus strand). Cytogenetic location: 2p11.2.
Variant type: single nucleotide variant.
Coding change: c.973T>G on transcript NM_003896.4 (MANE Select); coding-DNA position 973, T replaced by G.
Protein change: p.Ser325Ala; replaces serine 325 with alanine.
Molecular consequence: missense variant. On other transcripts: intron variant (1).
Genome position (GRCh38, 1-based): chr2:85,844,431, A>C on the plus strand (T>G on the coding strand, the complement: ST3GAL5 is on the minus strand). VCF-style: chr2-85844431-A-C. GRCh37 (hg19) VCF-style: chr2-86071554-A-C.
Other names: c.904T>G, p.Ser302Ala (NM_001042437.2); c.589T>G, p.Ser197Ala (NM_001354223.2, NM_001354224.2, NM_001354226.2 and 3 more transcripts); c.889T>G, p.Ser297Ala (NM_001354227.2, NM_001354229.2, NM_001354238.1); c.250T>G, p.Ser84Ala (NM_001354247.1); c.849+1946T>G (NM_001363847.1); short protein forms S297A, S84A, S302A, S325A, S197A.
Identifiers: ClinVar variation 897206 (VCV000897206.14), dbSNP rs146542693, ClinGen allele CA1744945.